The following is an entry in ClinVar:

NM_018230.3(NUP133):c.2086G>C (p.Val696Leu)

Gene: NUP133 (nucleoporin 133; minus strand). Cytogenetic location: 1q42.13.
Variant type: single nucleotide variant.
Coding change: c.2086G>C on transcript NM_018230.3 (MANE Select); coding-DNA position 2086, G replaced by C.
Protein change: p.Val696Leu; replaces valine 696 with leucine.
Molecular consequence: missense variant.
Genome position (GRCh38, 1-based): chr1:229,466,747, C>G on the plus strand (G>C on the coding strand, the complement: NUP133 is on the minus strand). VCF-style: chr1-229466747-C-G. GRCh37 (hg19) VCF-style: chr1-229602494-C-G.
Other names: short protein forms V696L.
Identifiers: ClinVar variation 4766798 (VCV004766798.1).

ClinVar aggregate classification (germline): Uncertain significance (1 of 4 stars; one submission).

gnomAD v4.1: 1 of 1,613,928 alleles (0.000062%); no homozygotes.

Submission:

Labcorp Genetics (formerly Invitae), Labcorp
Classification: Uncertain significance. Last evaluated: 2025-07-24. Review status: criteria provided, single submitter. Criteria: Invitae Variant Classification Sherloc (09022015). Collection method: clinical testing. Allele origin: germline.
Comment: This sequence change replaces valine, which is neutral and non-polar, with leucine, which is neutral and non-polar, at codon 696 of the NUP133 protein (p.Val696Leu). This variant is not present in population databases (gnomAD no frequency). This variant has not been reported in the literature in individuals affected with NUP133-related conditions. An algorithm developed to predict the effect of missense changes on protein structure and function (PolyPhen-2) suggests that this variant is likely to be disruptive. In summary, the available evidence is currently insufficient to determine the role of this variant in disease. Therefore, it has been classified as a Variant of Uncertain Significance.